The following is an entry in ClinVar:

ClinVar aggregate classification (germline): Uncertain significance (1 of 4 stars; one submission).

Submission:

Women's Health and Genetics/Laboratory Corporation of America, LabCorp
Classification: Uncertain significance. Last evaluated: 2025-07-29. Review status: criteria provided, single submitter. Criteria: LabCorp Variant Classification Summary - May 2015. Collection method: clinical testing. Allele origin: germline.
Comment: Variant summary: TTN c.79258A>C (p.Asn26420His) results in a conservative amino acid change in the encoded protein sequence. Algorithms developed to predict the effect of missense changes on protein structure and function all suggest that this variant is likely to be tolerated. The variant was absent in 248490 control chromosomes. The available data on variant occurrences in the general population are insufficient to allow any conclusion about variant significance. To our knowledge, no occurrence of c.79258A>C in individuals affected with Autosomal Recessive Titinopathy and no experimental evidence demonstrating its impact on protein function have been reported. No submitters have cited clinical-significance assessments for this variant to ClinVar. Based on the evidence outlined above, the variant was classified as uncertain significance.

NM_001267550.2(TTN):c.86962A>C (p.Asn28988His)

Genes: TTN (titin; minus strand), TTN-AS1 (TTN antisense RNA 1; plus strand). Cytogenetic location: 2q31.2.
Variant type: single nucleotide variant.
Coding change: c.86962A>C on transcript NM_001267550.2 (MANE Select); coding-DNA position 86962, A replaced by C.
Protein change: p.Asn28988His; replaces asparagine 28988 with histidine.
Molecular consequence: missense variant.
Genome position (GRCh38, 1-based): chr2:178,558,497, T>G on the plus strand (A>C on the coding strand, the complement: TTN is on the minus strand). VCF-style: chr2-178558497-T-G. GRCh37 (hg19) VCF-style: chr2-179423224-T-G.
Other names: c.82039A>C, p.Asn27347His (NM_001256850.1); c.59767A>C, p.Asn19923His (NM_003319.4); c.79258A>C, p.Asn26420His (NM_133378.4); c.60142A>C, p.Asn20048His (NM_133432.3); c.60343A>C, p.Asn20115His (NM_133437.4); short protein forms N27347H, N28988H, N19923H, N20115H, N26420H, N20048H.
Identifiers: ClinVar variation 4526129 (VCV004526129.1).